The following is an entry in ClinVar:

ClinVar aggregate classification (germline): Uncertain significance (1 of 4 stars; one submission).

Submission:

Women's Health and Genetics/Laboratory Corporation of America, LabCorp
Classification: Uncertain significance. Last evaluated: 2023-04-25. Review status: criteria provided, single submitter. Criteria: LabCorp Variant Classification Summary - May 2015. Collection method: clinical testing. Allele origin: germline.
Comment: Variant summary: DBT c.206T>G (p.Leu69Arg) results in a non-conservative amino acid change located in the Biotin/lipoyl attachment (IPR000089) of the encoded protein sequence. Five of five in-silico tools predict a damaging effect of the variant on protein function. The variant was absent in 251008 control chromosomes. The available data on variant occurrences in the general population are insufficient to allow any conclusion about variant significance. c.206T>G has been reported in the literature in an infant affected with Maple Syrup Urine Disease (Yang_2019). These data do not allow any conclusion about variant significance. To our knowledge, no experimental evidence demonstrating an impact on protein function has been reported. The following publications have been ascertained in the context of this evaluation (PMID: 31112740, 34556729). No clinical diagnostic laboratories have submitted clinical-significance assessments for this variant to ClinVar after 2014. Based on the evidence outlined above, the variant was classified as uncertain significance.

Literature cited by the submitters: PubMed 31112740.

NM_001918.5(DBT):c.206T>G (p.Leu69Arg)

Gene: DBT (dihydrolipoamide branched chain transacylase E2; minus strand). Cytogenetic location: 1p21.2.
Variant type: single nucleotide variant.
Coding change: c.206T>G on transcript NM_001918.5 (MANE Select); coding-DNA position 206, T replaced by G.
Protein change: p.Leu69Arg; replaces leucine 69 with arginine.
Molecular consequence: missense variant. On other transcripts: 5 prime UTR variant (2), non-coding transcript variant (4).
Genome position (GRCh38, 1-based): chr1:100,235,481, A>C on the plus strand (T>G on the coding strand, the complement: DBT is on the minus strand). VCF-style: chr1-100235481-A-C. GRCh37 (hg19) VCF-style: chr1-100701037-A-C.
Other names: c.-338T>G (NM_001399969.1, NM_001399972.1); c.206T>G (NM_001918.3); short protein forms L69R.
Identifiers: ClinVar variation 2503980 (VCV002503980.1), dbSNP rs1663813561, ClinGen allele CA341345490.